The following is an entry in ClinVar:

ClinVar aggregate classification (germline): Uncertain significance. Review status: criteria provided, multiple submitters, no conflicts (2 of 4 stars). 3 submissions from 3 submitters: Uncertain significance (3). Last evaluated 2025-11-18.

Conditions:
Inborn genetic diseases. Identifiers: MedGen C0950123, MeSH D030342.

Allele frequency attached by ClinVar (database versions not stated): gnomAD exomes 0.00002 and 0.00004; TOPMed 0.00002; gnomAD 0.00004.
gnomAD v4.1: 29 of 1,613,990 alleles (0.0018%); highest among the groups gnomAD compares: Non-Finnish European, 0.0024%; no homozygotes.

Submissions (3):

Dasa
Classification: Uncertain significance. Last evaluated: 2025-11-18. Review status: criteria provided, single submitter. Criteria: DASA Assertion Criteria. Collection method: clinical testing. Allele origin: germline.
Comment: NM_001184.4(ATR):c.721A>G (p.Ser241Gly) is a missense variant that results in the substitution of serine with glycine. This variant is rare in population databases. Computational prediction algorithms are consistent with a benign effect. The currently available literature and clinical evidence are not sufficient to establish a definitive association between this variant and the reported condition. Therefore, this variant is classified as a variant of uncertain significance.

Ambry Genetics
Classification: Uncertain significance for Inborn genetic diseases. Last evaluated: 2025-11-05. Review status: criteria provided, single submitter. Criteria: Ambry Variant Classification Scheme 2023. Collection method: clinical testing. Allele origin: germline.

Labcorp Genetics (formerly Invitae), Labcorp
Classification: Uncertain significance. Last evaluated: 2025-01-23. Review status: criteria provided, single submitter. Criteria: Invitae Variant Classification Sherloc (09022015). Collection method: clinical testing. Allele origin: germline.
Comment: This sequence change replaces serine, which is neutral and polar, with glycine, which is neutral and non-polar, at codon 241 of the ATR protein (p.Ser241Gly). This variant is present in population databases (rs200418139, gnomAD 0.008%). This variant has not been reported in the literature in individuals affected with ATR-related conditions. ClinVar contains an entry for this variant (Variation ID: 1021316). An algorithm developed to predict the effect of missense changes on protein structure and function (PolyPhen-2) suggests that this variant¬†is likely to be tolerated. In summary, the available evidence is currently insufficient to determine the role of this variant in disease. Therefore, it has been classified as a Variant of Uncertain Significance.

NM_001184.4(ATR):c.721A>G (p.Ser241Gly)

Gene: ATR (ATR checkpoint kinase; minus strand). Cytogenetic location: 3q23.
Variant type: single nucleotide variant.
Coding change: c.721A>G on transcript NM_001184.4 (MANE Select); coding-DNA position 721, A replaced by G.
Protein change: p.Ser241Gly; replaces serine 241 with glycine.
Molecular consequence: missense variant.
Genome position (GRCh38, 1-based): chr3:142,562,681, T>C on the plus strand (A>G on the coding strand, the complement: ATR is on the minus strand). VCF-style: chr3-142562681-T-C. GRCh37 (hg19) VCF-style: chr3-142281523-T-C.
Other names: c.721A>G (NM_001184.3); c.721A>G, p.Ser241Gly (NM_001354579.2); short protein forms S241G.
Identifiers: ClinVar variation 1021316 (VCV001021316.8), dbSNP rs200418139, ClinGen allele CA84755780.